The following is an entry in ClinVar:

NM_001110556.2(FLNA):c.652G>A (p.Ala218Thr)

Gene: FLNA (filamin A; minus strand). Cytogenetic location: Xq28.
Variant type: single nucleotide variant.
Coding change: c.652G>A on transcript NM_001110556.2 (MANE Select); coding-DNA position 652, G replaced by A.
Protein change: p.Ala218Thr; replaces alanine 218 with threonine.
Molecular consequence: missense variant.
Genome position (GRCh38, 1-based): chrX:154,367,709, C>T on the plus strand (G>A on the coding strand, the complement: FLNA is on the minus strand). VCF-style: chrX-154367709-C-T. GRCh37 (hg19) VCF-style: chrX-153596077-C-T.
Other names: c.652G>A, p.Ala218Thr (NM_001456.4); c.652G>A (NM_001456.3); short protein forms A218T.
Identifiers: ClinVar variation 1396503 (VCV001396503.7), dbSNP rs782580503, ClinGen allele CA10561381.

ClinVar aggregate classification (germline): Conflicting classifications of pathogenicity. Review status: criteria provided, conflicting classifications (1 of 4 stars). 2 submissions from 2 submitters: Uncertain significance (1); Benign (1). Last evaluated 2026-08-29.

Conditions:
Heterotopia, periventricular, X-linked dominant (PVNH1). Also called: PERIVENTRICULAR NODULAR HETEROTOPIA 1; X-linked periventricular heterotopia; PERIVENTRICULAR NODULAR HETEROTOPIA 4; HETEROTOPIA, PERIVENTRICULAR, 1. Identifiers: Orphanet 2149, Orphanet 82004, MedGen C1848213, MONDO:0010233, OMIM 300049.
Oto-palato-digital syndrome, type II (OPD2). Also called: Otopalatodigital Syndrome, Type II; Otopalatodigital Syndrome Type 2 (FLNA-OPD2); FACIOPALATOOSSEOUS SYNDROME; OPD II SYNDROME. Identifiers: Orphanet 669, Orphanet 90652, MedGen C1844696, MONDO:0010571, OMIM 304120.
Frontometaphyseal dysplasia (FMD1). Identifiers: Orphanet 1826, MedGen C0265293, MONDO:0015942.
Melnick-Needles syndrome (MNS). Also called: Melnick-Needles Syndrome (FLNA-MNS); MELNICK-NEEDLES OSTEODYSPLASTY; OSTEODYSPLASTY OF MELNICK AND NEEDLES. Identifiers: Orphanet 2484, MedGen C0025237, MONDO:0010650, OMIM 309350.
Familial thoracic aortic aneurysm and aortic dissection (TAAD). Also called: Thoracic aortic aneurysms and dissections. Identifiers: Orphanet 91387, MedGen C4707243, MONDO:0019625.

Allele frequency attached by ClinVar (database versions not stated): gnomAD 0.00002; ExAC 0.00002; gnomAD exomes 0.00003; TOPMed 0.00001.
gnomAD v4.1: 12 of 1,209,619 alleles (0.00099%); highest among the groups gnomAD compares: Admixed American, 0.0065%; no homozygotes.

Submissions (2):

Ambry Genetics
Classification: Uncertain significance for Familial thoracic aortic aneurysm and aortic dissection. Last evaluated: 2026-08-29. Review status: criteria provided, single submitter. Criteria: Ambry Variant Classification Scheme 2023. Collection method: clinical testing. Allele origin: germline.
Comment: The p.A218T variant (also known as c.652G>A), located in coding exon 3 of the FLNA gene, results from a G to A substitution at nucleotide position 652. The alanine at codon 218 is replaced by threonine, an amino acid with similar properties. This amino acid position is conserved. In addition, the in silico prediction for this alteration is inconclusive. Based on data from gnomAD, the A allele has an overall frequency of 0.0028% (5/181277) total alleles studied, with 3 hemizygote(s) observed. The highest observed frequency was 0.0073% (2/27374) of Admixed American alleles. Based on the available evidence, the clinical significance of this variant remains unclear.

Labcorp Genetics (formerly Invitae), Labcorp
Classification: Benign for Oto-palato-digital syndrome, type II; Heterotopia, periventricular, X-linked dominant; Frontometaphyseal dysplasia; Melnick-Needles syndrome. Last evaluated: 2025-12-16. Review status: criteria provided, single submitter. Criteria: Invitae Variant Classification Sherloc (09022015). Collection method: clinical testing. Allele origin: germline.